The following is an entry in ClinVar:

NM_170682.4(P2RX2):c.64T>C (p.Trp22Arg)

Gene: P2RX2 (purinergic receptor P2X 2; plus strand). Cytogenetic location: 12q24.33.
Variant type: single nucleotide variant.
Coding change: c.64T>C on transcript NM_170682.4 (MANE Select); coding-DNA position 64, T replaced by C.
Protein change: p.Trp22Arg; replaces tryptophan 22 with arginine.
Molecular consequence: missense variant.
Genome position (GRCh38, 1-based): chr12:132,618,880, T>C. VCF-style: chr12-132618880-T-C. GRCh37 (hg19) VCF-style: chr12-133195466-T-C.
Other names: c.64T>C, p.Trp22Arg (NM_001282164.2, NM_001282165.2, NM_012226.5 and 4 more transcripts); short protein forms W22R.
Identifiers: ClinVar variation 2970572 (VCV002970572.3), dbSNP rs1382780227, ClinGen allele CA387356675.
Genomic context (GRCh38, chr12:132,618,880, plus strand): 5'-GCCGCCGCCCAGCCCAAGTACCCCGCCGGGGCGACCGCCCGGCGCCTGGCCCGGGGCTGC[T>C]GGTCCGCCCTCTGGGACTACGAGACGCCCAAGGTGATCGTGGTGAGGAACCGGCGCCTGG-3'
Protein context (NP_733782.1, residues 12-32): ATARRLARGC[Trp22Arg]SALWDYETPK

ClinVar aggregate classification (germline): Uncertain significance (1 of 4 stars; one submission).

Submission:

Labcorp Genetics (formerly Invitae), Labcorp
Classification: Uncertain significance. Last evaluated: 2023-03-04. Review status: criteria provided, single submitter. Criteria: Invitae Variant Classification Sherloc (09022015). Collection method: clinical testing. Allele origin: germline.
Comment: This sequence change replaces tryptophan, which is neutral and slightly polar, with arginine, which is basic and polar, at codon 22 of the P2RX2 protein (p.Trp22Arg). In summary, the available evidence is currently insufficient to determine the role of this variant in disease. Therefore, it has been classified as a Variant of Uncertain Significance. Advanced modeling of protein sequence and biophysical properties (such as structural, functional, and spatial information, amino acid conservation, physicochemical variation, residue mobility, and thermodynamic stability) performed at Invitae indicates that this missense variant is not expected to disrupt P2RX2 protein function. This variant has not been reported in the literature in individuals affected with P2RX2-related conditions. This variant is not present in population databases (gnomAD no frequency).